The following is an entry in ClinVar:

NM_000081.4(LYST):c.728C>T (p.Ala243Val)

Gene: LYST (lysosomal trafficking regulator; minus strand). Cytogenetic location: 1q42.3.
Variant type: single nucleotide variant.
Coding change: c.728C>T on transcript NM_000081.4 (MANE Select); coding-DNA position 728, C replaced by T.
Protein change: p.Ala243Val; replaces alanine 243 with valine.
Molecular consequence: missense variant.
Genome position (GRCh38, 1-based): chr1:235,810,090, G>A on the plus strand (C>T on the coding strand, the complement: LYST is on the minus strand). VCF-style: chr1-235810090-G-A. GRCh37 (hg19) VCF-style: chr1-235973390-G-A.
Other names: p.Ala243Val; c.728C>T, p.Ala243Val (NM_001301365.1); c.728C>T (NM_000081.2); short protein forms A243V.
Identifiers: ClinVar variation 2682727 (VCV002682727.2), dbSNP rs1652014224, ClinGen allele CA344964513.
Genomic context (GRCh38, chr1:235,810,090, plus strand): 5'-GATAACAAAACATGACATAAGTCAAATGGAGAATTGTTCATGTTACTGATAACAGACAAG[G>A]CAGCTGGCTCACTTAAAATGTCAGTGTTTGACCCCTGTCTTGGAATAATCTCTCTGGAAT-3'
Protein context (NP_000072.2, residues 233-253): SNTDILSEPA[Ala243Val]LSVISNMNNS

ClinVar aggregate classification (germline): Uncertain significance. Review status: criteria provided, multiple submitters, no conflicts (2 of 4 stars). 2 submissions from 2 submitters: Uncertain significance (2). Last evaluated 2024-01-03.

Conditions:
Inborn genetic diseases. Identifiers: MedGen C0950123, MeSH D030342.

Allele frequency attached by ClinVar (database versions not stated): gnomAD 0.00001; gnomAD exomes 0.00001; TOPMed 0.00001.
gnomAD v4.1: 14 of 1,613,878 alleles (0.00087%); highest among the groups gnomAD compares: Non-Finnish European, 0.0011%; no homozygotes.

Submissions (2):

Ambry Genetics
Classification: Uncertain significance for Inborn genetic diseases. Last evaluated: 2024-01-03. Review status: criteria provided, single submitter. Criteria: Ambry Variant Classification Scheme 2023. Collection method: clinical testing. Allele origin: germline.

Mayo Clinic Laboratories, Mayo Clinic
Classification: Uncertain significance. Last evaluated: 2022-02-11. Review status: criteria provided, single submitter. Criteria: ACMG Guidelines, 2015. Collection method: clinical testing. Allele origin: germline. Observed: 1 variant allele.
Comment: BP4, PM2